The following is an entry in ClinVar:

NM_001199107.2(TBC1D24):c.1205A>C (p.Glu402Ala)

Gene: TBC1D24 (TBC1 domain family member 24; plus strand). Cytogenetic location: 16p13.3.
Variant type: single nucleotide variant.
Coding change: c.1205A>C on transcript NM_001199107.2 (MANE Select); coding-DNA position 1205, A replaced by C.
Protein change: p.Glu402Ala; replaces glutamic acid 402 with alanine.
Molecular consequence: missense variant.
Genome position (GRCh38, 1-based): chr16:2,499,419, A>C. VCF-style: chr16-2499419-A-C. GRCh37 (hg19) VCF-style: chr16-2549420-A-C.
Other names: c.1187A>C, p.Glu396Ala (NM_020705.3); short protein forms E396A, E402A.
Identifiers: ClinVar variation 930625 (VCV000930625.3), dbSNP rs2065771759, ClinGen allele CA394380072.

ClinVar aggregate classification (germline): Uncertain significance (1 of 4 stars; one submission).

Conditions:
Autosomal dominant nonsyndromic hearing loss 65. Also called: TBC1D24-Related Autosomal Dominant Nonsyndromic Hearing Loss (DFNA); Deafness, autosomal dominant 65. Identifiers: Orphanet 90635, MedGen C3892048, MONDO:0014470, OMIM 616044.

Submission:

Centre for Mendelian Genomics, University Medical Centre Ljubljana
Classification: Uncertain significance for Autosomal dominant nonsyndromic hearing loss 65. Last evaluated: 2020-02-04. Review status: criteria provided, single submitter. Criteria: ACMG Guidelines, 2015. Collection method: clinical testing. Allele origin: unknown. Affected: yes.
Comment: This variant was classified as: Uncertain significance. The available evidence on this variant's pathogenicity is insufficient or conflicting. The following ACMG criteria were applied in classifying this variant: PM2,PP3.